The following is an entry in ClinVar:

ClinVar aggregate classification (germline): Uncertain significance. Review status: criteria provided, multiple submitters, no conflicts (2 of 4 stars). 3 submissions from 3 submitters: Uncertain significance (3). Last evaluated 2023-11-21.

Submissions (3):

Labcorp Genetics (formerly Invitae), Labcorp
Classification: Uncertain significance. Last evaluated: 2023-11-21. Review status: criteria provided, single submitter. Criteria: Invitae Variant Classification Sherloc (09022015). Collection method: clinical testing. Allele origin: germline.
Comment: This sequence change creates a premature translational stop signal (p.Asn488Hisfs*20) in the RECQL gene. It is expected to result in an absent or disrupted protein product. However, the current clinical and genetic evidence is not sufficient to establish whether loss-of-function variants in RECQL cause disease. This variant is not present in population databases (gnomAD no frequency). This premature translational stop signal has been observed in individual(s) with breast cancer (PMID: 32427313). ClinVar contains an entry for this variant (Variation ID: 2430679). In summary, the available evidence is currently insufficient to determine the role of this variant in disease. Therefore, it has been classified as a Variant of Uncertain Significance.

Ambry Genetics
Classification: Uncertain significance. Last evaluated: 2023-07-07. Review status: criteria provided, single submitter. Criteria: Ambry Variant Classification Scheme 2023. Collection method: clinical testing. Allele origin: germline.
Comment: The c.1461_1462delGA variant, located in coding exon 12 of the RECQL gene, results from a deletion of two nucleotides at nucleotide positions 1461 to 1462, causing a translational frameshift with a predicted alternate stop codon (p.N488Hfs*20). This alteration is expected to result in loss of function by premature protein truncation or nonsense-mediated mRNA decay. The evidence for this gene-disease relationship is limited; therefore, the clinical significance of this alteration is unclear.

GeneDx
Classification: Uncertain significance. Last evaluated: 2023-06-05. Review status: criteria provided, single submitter. Criteria: GeneDx Variant Classification Process June 2021. Collection method: clinical testing. Allele origin: germline.
Comment: Not observed at significant frequency in large population cohorts (gnomAD); Observed in individuals with breast cancer (Palmer et al., 2020); Frameshift variant predicted to result in protein truncation or nonsense mediated decay in a gene or region of a gene for which loss of function is not an established mechanism of disease; Variants in candidate genes are classified as variants of uncertain significance in accordance with ACMG guidelines (Richards et al., 2015); This variant is associated with the following publications: (PMID: 32427313)

Literature cited by the submitters: PubMed 32427313 (cited by Labcorp Genetics (formerly Invitae), Labcorp).

NM_002907.4(RECQL):c.1461_1462del (p.Asn488fs)

Gene: RECQL (RecQ like helicase; minus strand). Cytogenetic location: 12p12.1.
Variant type: Deletion.
Coding change: c.1461_1462del on transcript NM_002907.4 (MANE Select); coding-DNA positions 1461 to 1462, 2 bases deleted (GA; older notation c.1461_1462delGA).
Protein change: p.Asn488fs; shifts the reading frame from asparagine 488.
Molecular consequence: frameshift variant.
Genome position (GRCh38, 1-based): chr12:21,471,633-21,471,634, TC deleted on the plus strand (GA on the coding strand, the reverse complement: RECQL is on the minus strand); deleting any 2 consecutive bases within chr12:21,471,633-21,471,635 gives the same sequence; the c. name uses the placement nearest the transcript's 3' end. VCF-style (leftmost placement, unchanged base first): chr12-21471632-TTC-T. GRCh37 (hg19) VCF-style: chr12-21624566-TTC-T.
Other names: c.1461_1462del, p.Asn488fs (NM_032941.3); c.1461_1462delGA (NM_002907.3); short protein forms N488fs.
Identifiers: ClinVar variation 2430679 (VCV002430679.7), dbSNP rs1942968274, ClinGen allele CA945486808.
Genomic context (GRCh38, chr12:21,471,632, plus strand): 5'-TCATTCAGTTCCTCTGCCTGCTTCAGGATCTTGATTAGATCTCTGCAGTACTCTGTTATG[TTC>T]TTTCTTTCAAATGCTGTAATAAAACAAATATGGTAGCAGGTAATTAGGATTTAGAAATGA-3'